The following is an entry in ClinVar:

NM_000183.3(HADHB):c.255-1G>A

Gene: HADHB (hydroxyacyl-CoA dehydrogenase trifunctional multienzyme complex subunit beta; plus strand). Cytogenetic location: 2p23.3.
Variant type: single nucleotide variant.
Coding change: c.255-1G>A on transcript NM_000183.3 (MANE Select); the canonical splice acceptor site of the intron before coding-DNA position 255, G replaced by A.
Molecular consequence: splice acceptor variant.
Genome position (GRCh38, 1-based): chr2:26,273,650, G>A. VCF-style: chr2-26273650-G-A. GRCh37 (hg19) VCF-style: chr2-26496518-G-A.
Other names: c.189-1G>A (NM_001281513.2); c.210-1G>A (NM_001281512.2).
Identifiers: ClinVar variation 916614 (VCV000916614.14), dbSNP rs112842641, ClinGen allele CA1560157.

ClinVar aggregate classification (germline): Pathogenic. Review status: criteria provided, single submitter (1 of 4 stars). 2 submissions from 2 submitters: Pathogenic (1). 1 of the submissions does not count toward it. Last evaluated 2025-12-28.

Conditions:
Mitochondrial trifunctional protein deficiency. Identifiers: Orphanet 746, MedGen C1969443, MONDO:0012172.

Allele frequency attached by ClinVar (database versions not stated): gnomAD 0.00001; gnomAD exomes 0.00001 and 0.00004; TOPMed 0.00001; ExAC 0.00007.
gnomAD v4.1: 24 of 1,542,762 alleles (0.0016%); highest among the groups gnomAD compares: Admixed American, 0.0017%; no homozygotes.

Submissions (2):

Labcorp Genetics (formerly Invitae), Labcorp
Classification: Pathogenic for Mitochondrial trifunctional protein deficiency. Last evaluated: 2025-12-28. Review status: criteria provided, single submitter. Criteria: Invitae Variant Classification Sherloc (09022015). Collection method: clinical testing. Allele origin: germline.
Comment: This sequence change affects an acceptor splice site in intron 5 of the HADHB gene. It is expected to disrupt RNA splicing. Variants that disrupt the donor or acceptor splice site typically lead to a loss of protein function (PMID: 16199547), and loss-of-function variants in HADHB are known to be pathogenic (PMID: 9259266, 12754706). This variant is present in population databases (rs112842641, gnomAD 0.008%). Disruption of this splice site has been observed in individual(s) with mitochondrial trifunctional protein deficiency (PMID: 35433169). In at least one individual the data is consistent with being in trans (on the opposite chromosome) from a pathogenic variant. ClinVar contains an entry for this variant (Variation ID: 916614). Algorithms developed to predict the effect of sequence changes on RNA splicing suggest that this variant may disrupt the consensus splice site. For these reasons, this variant has been classified as Pathogenic.

Department of Medical Genetics, University Hospital of North Norway
Classification: Uncertain significance for Mitochondrial trifunctional protein deficiency 1. Last evaluated: 2020-04-24. Review status: no assertion criteria provided. Collection method: clinical testing. Allele origin: germline. Inheritance: Autosomal recessive inheritance. Affected: yes. Observed: 1 heterozygote. Not counted in ClinVar's aggregate classification.

Literature cited by the submitters: PubMed 16199547 (cited by Labcorp Genetics (formerly Invitae), Labcorp); PubMed 9259266 (cited by Labcorp Genetics (formerly Invitae), Labcorp); PubMed 12754706 (cited by Labcorp Genetics (formerly Invitae), Labcorp); PubMed 35433169 (cited by Labcorp Genetics (formerly Invitae), Labcorp).